The following is an entry in ClinVar:

NM_000044.6(AR):c.161TGC[3] (p.Leu57del)

Gene: AR (androgen receptor; plus strand). Cytogenetic location: Xq12.
Variant type: Microsatellite.
Coding change: c.161TGC[3] on transcript NM_000044.6 (MANE Select); three copies in a row of the 3-base unit TGC starting at c.161; the reference has four copies in a row; one copy, 3 bases deleted.
Protein change: p.Leu57del; deletes leucine 57.
Molecular consequence: inframe deletion. On other transcripts: 5 prime UTR variant (1).
Genome position (GRCh38, 1-based): chrX:67,545,316-67,545,318, TGC deleted; deleting any 3 consecutive bases within chrX:67,545,307-67,545,318 gives the same sequence; the position shown is the placement nearest the transcript's 3' end. VCF-style (leftmost placement, unchanged base first): chrX-67545306-TTGC-T. GRCh37 (hg19) VCF-style: chrX-66765148-TTGC-T.
Other names: c.-1623TGC[3] (NM_001011645.3); c.161TGC[3], p.Leu57del (NM_001348061.1, NM_001348063.1, NM_001348064.1); c.170_172delTGC (NM_000044.3); short protein forms L57del.
Identifiers: ClinVar variation 807734 (VCV000807734.22), dbSNP rs752055010, ClinGen allele CA10436222.

ClinVar aggregate classification (germline): Likely benign. Review status: criteria provided, multiple submitters, no conflicts (2 of 4 stars). 3 submissions from 3 submitters: Likely benign (2). 1 of the submissions does not count toward it. Last evaluated 2025-03-31.

Conditions:
AR-related disorder. Also called: AR-related condition.
Androgen resistance syndrome (AIS). Also called: Androgen insensitivity syndrome; ANDROGEN RECEPTOR DEFICIENCY; DHTR DEFICIENCY; Androgen insensitivity syndrome due to coactivator deficiency; Androgen insensitivity; DIHYDROTESTOSTERONE RECEPTOR DEFICIENCY. Identifiers: Orphanet 754, Orphanet 99429, MedGen C0039585, MONDO:0019154, OMIM 300068. Disease mechanism: loss of function.
Kennedy disease (SMAX1). Also called: Spinal and Bulbar Muscular Atrophy; SPINAL AND BULBAR MUSCULAR ATROPHY, X-LINKED 1; KENNEDY SPINAL AND BULBAR MUSCULAR ATROPHY. Identifiers: Orphanet 481, MedGen C1839259, MONDO:0010735, OMIM 313200.

Submissions (3):

Labcorp Genetics (formerly Invitae), Labcorp
Classification: Likely benign for Kennedy disease; Androgen resistance syndrome. Last evaluated: 2025-03-31. Review status: criteria provided, single submitter. Criteria: Invitae Variant Classification Sherloc (09022015). Collection method: clinical testing. Allele origin: germline.

GeneDx
Classification: Likely benign. Last evaluated: 2021-03-12. Review status: criteria provided, single submitter. Criteria: GeneDx Variant Classification Process June 2021. Collection method: clinical testing. Allele origin: germline. Affected: yes.
Comment: This variant is associated with the following publications: (PMID: 23044881, 16172197)

PreventionGenetics, part of Exact Sciences
Classification: Likely benign for AR-related condition. Last evaluated: 2024-03-08. Review status: no assertion criteria provided. Collection method: clinical testing. Allele origin: germline. Not counted in ClinVar's aggregate classification.
Comment: This variant is classified as likely benign based on ACMG/AMP sequence variant interpretation guidelines (Richards et al. 2015 PMID: 25741868, with internal and published modifications).